The following is an entry in ClinVar:

NM_006922.4(SCN3A):c.2861T>C (p.Val954Ala)

Gene: SCN3A (sodium voltage-gated channel alpha subunit 3; minus strand). Cytogenetic location: 2q24.3.
Variant type: single nucleotide variant.
Coding change: c.2861T>C on transcript NM_006922.4 (MANE Select); coding-DNA position 2861, T replaced by C.
Protein change: p.Val954Ala; replaces valine 954 with alanine.
Molecular consequence: missense variant.
Genome position (GRCh38, 1-based): chr2:165,130,001, A>G on the plus strand (T>C on the coding strand, the complement: SCN3A is on the minus strand). VCF-style: chr2-165130001-A-G. GRCh37 (hg19) VCF-style: chr2-165986511-A-G.
Other names: c.2714T>C, p.Val905Ala (NM_001081676.2, NM_001081677.2); short protein forms V954A, V905A.
Identifiers: ClinVar variation 1990914 (VCV001990914.4), dbSNP rs1310500454, ClinGen allele CA349042345.

ClinVar aggregate classification (germline): Uncertain significance (1 of 4 stars; one submission).

Allele frequency attached by ClinVar (database versions not stated): gnomAD exomes below 0.00001; TOPMed below 0.00001.
gnomAD v4.1: 4 of 1,613,996 alleles (0.00025%); highest among the groups gnomAD compares: Non-Finnish European, 0.00034%; no homozygotes.

Submission:

Labcorp Genetics (formerly Invitae), Labcorp
Classification: Uncertain significance. Last evaluated: 2024-11-18. Review status: criteria provided, single submitter. Criteria: Invitae Variant Classification Sherloc (09022015). Collection method: clinical testing. Allele origin: germline.
Comment: This sequence change replaces valine, which is neutral and non-polar, with alanine, which is neutral and non-polar, at codon 954 of the SCN3A protein (p.Val954Ala). This variant is not present in population databases (gnomAD no frequency). This variant has not been reported in the literature in individuals affected with SCN3A-related conditions. ClinVar contains an entry for this variant (Variation ID: 1990914). Invitae Evidence Modeling of protein sequence and biophysical properties (such as structural, functional, and spatial information, amino acid conservation, physicochemical variation, residue mobility, and thermodynamic stability) has been performed for this missense variant. However, the output from this modeling did not meet the statistical confidence thresholds required to predict the impact of this variant on SCN3A protein function. In summary, the available evidence is currently insufficient to determine the role of this variant in disease. Therefore, it has been classified as a Variant of Uncertain Significance.